The following is an entry in ClinVar:

NM_004924.6(ACTN4):c.929G>A (p.Arg310Gln)

Gene: ACTN4 (actinin alpha 4; plus strand). Cytogenetic location: 19q13.2.
Variant type: single nucleotide variant.
Coding change: c.929G>A on transcript NM_004924.6 (MANE Select); coding-DNA position 929, G replaced by A.
Protein change: p.Arg310Gln; replaces arginine 310 with glutamine.
Molecular consequence: missense variant.
Genome position (GRCh38, 1-based): chr19:38,717,102, G>A. VCF-style: chr19-38717102-G-A. GRCh37 (hg19) VCF-style: chr19-39207742-G-A.
Other names: p.Arg310Gln; c.929G>A, p.Arg310Gln (NM_001322033.2); c.929G>A (NM_004924.5); short protein forms R310Q.
Identifiers: ClinVar variation 259583 (VCV000259583.26), dbSNP rs112545413, ClinGen allele CA9417495.

ClinVar aggregate classification (germline): Benign/Likely benign. Review status: criteria provided, multiple submitters, no conflicts (2 of 4 stars). 15 submissions from 15 submitters: Benign (7); Likely benign (4). 4 of the submissions do not count toward it. Last evaluated 2026-01-27.

Conditions:
Focal segmental glomerulosclerosis (FSGS). Also called: Glomerulosclerosis, focal; Focal sclerosis with hyalinosis. Identifiers: MedGen C0017668, MONDO:0100313, HP:0000097. Disease mechanism: loss of function.
Focal segmental glomerulosclerosis 1 (FSGS1). Identifiers: Orphanet 656, MedGen C4551527, MONDO:0011303, OMIM 603278.
Intellectual disability, autosomal dominant 14 (CSS2). Also called: COFFIN-SIRIS SYNDROME 2. Identifiers: Orphanet 1465, MedGen C3553247, MONDO:0013819, OMIM 614607.

Allele frequency attached by ClinVar (database versions not stated): 1000 Genomes Project 0.00619; 1000 Genomes Project 30x 0.00656; gnomAD 0.00927 and 0.00960; ESP Exome Variant Server 0.00953; TOPMed 0.00965; gnomAD exomes 0.01176; ExAC 0.01376.
gnomAD v4.1: 22,810 of 1,613,586 alleles (1.4%); highest among the groups gnomAD compares: South Asian, 2.4%; 236 homozygotes.

Submissions (15):

Labcorp Genetics (formerly Invitae), Labcorp
Classification: Benign. Last evaluated: 2026-01-27. Review status: criteria provided, single submitter. Criteria: Invitae Variant Classification Sherloc (09022015). Collection method: clinical testing. Allele origin: germline.

Blueprint Genetics
Classification: Likely benign. Last evaluated: 2024-11-28. Review status: criteria provided, single submitter. Criteria: ACMG Guidelines, 2015. Collection method: clinical testing. Allele origin: germline.

Mayo Clinic Laboratories, Mayo Clinic
Classification: Benign. Last evaluated: 2023-01-30. Review status: criteria provided, single submitter. Criteria: ACMG Guidelines, 2015. Collection method: clinical testing. Allele origin: germline. Observed: 3 variant alleles.
Comment: BS1, BS2, BP4

Genome Diagnostics Laboratory, The Hospital for Sick Children
Classification: Benign for Focal segmental glomerulosclerosis. Last evaluated: 2022-09-06. Review status: criteria provided, single submitter. Criteria: ACMG Guidelines, 2015. Collection method: clinical testing. Allele origin: germline.

Genome-Nilou Lab
Classification: Benign for Focal segmental glomerulosclerosis 1. Last evaluated: 2021-12-05. Review status: criteria provided, single submitter. Criteria: ACMG Guidelines, 2015. Collection method: clinical testing. Allele origin: germline. Affected: no.

Fulgent Genetics
Classification: Likely benign for Focal segmental glomerulosclerosis 1. Last evaluated: 2021-09-07. Review status: criteria provided, single submitter. Criteria: ACMG Guidelines, 2015. Collection method: clinical testing. Allele origin: unknown.

GeneDx
Classification: Benign. Last evaluated: 2020-04-29. Review status: criteria provided, single submitter. Criteria: GeneDx Variant Classification Process June 2021. Collection method: clinical testing. Allele origin: germline. Affected: yes.
Comment: This variant is associated with the following publications: (PMID: 16251236, 27535533, 21680739)

Athena Diagnostics
Classification: Benign. Last evaluated: 2018-03-20. Review status: criteria provided, single submitter. Criteria: Athena Diagnostics Criteria. Collection method: clinical testing. Allele origin: germline.

Breakthrough Genomics
Classification: Likely benign. Review status: criteria provided, single submitter. Criteria: ACMG Guidelines, 2015. Collection method: not provided. Allele origin: germline. Inheritance: Autosomal dominant inheritance. Affected: yes.

Broad Center for Mendelian Genomics, Broad Institute of MIT and Harvard
Classification: Likely benign for Intellectual disability, autosomal dominant 14. Review status: criteria provided, single submitter. Criteria: ACMG Guidelines, 2015. Collection method: research. Allele origin: germline. Inheritance: Autosomal dominant inheritance. Affected: yes.
Comment: The p.Arg310Gln variant in ACTN4 has been identified in at least 2 individuals with focal and segmental glomerulosclerosis, but did not segregate with disease and was also present in at least 4 unaffected individuals (PMID: 16251236). This variant has also been identified in >2% of South Asian chromosomes and 15 homozygotes by ExAC. In vitro functional studies provide some evidence that the p.Arg310Gln variant may impact protein function (PMID: 21680739). However, these types of assays may not accurately represent biological function. In summary, although additional studies are required to fully establish its clinical significance, this variant meets criteria to be classified as likely benign for autosomal dominant focal and segmental glomerulosclerosis.

PreventionGenetics, part of Exact Sciences
Classification: Benign. Review status: criteria provided, single submitter. Criteria: ACMG Guidelines, 2015. Collection method: clinical testing. Allele origin: germline.

Genetic Services Laboratory, University of Chicago
Classification: Benign. Last evaluated: 2022-07-12. Review status: no assertion criteria provided. Collection method: clinical testing. Allele origin: germline. Affected: no. Not counted in ClinVar's aggregate classification.

Genome Diagnostics Laboratory, University Medical Center Utrecht
Classification: Benign. Review status: no assertion criteria provided. Collection method: clinical testing. Allele origin: germline. Affected: yes. Study: VKGL Data-share Consensus. Not counted in ClinVar's aggregate classification.

Joint Genome Diagnostic Labs from Nijmegen and Maastricht, Radboudumc and MUMC+
Classification: Benign. Review status: no assertion criteria provided. Collection method: clinical testing. Allele origin: germline. Affected: yes. Study: VKGL Data-share Consensus. Not counted in ClinVar's aggregate classification.

Laboratory of Diagnostic Genome Analysis, Leiden University Medical Center (LUMC)
Classification: Likely benign. Review status: no assertion criteria provided. Collection method: clinical testing. Allele origin: germline. Affected: yes. Study: VKGL Data-share Consensus. Not counted in ClinVar's aggregate classification.

Literature cited by the submitters: PubMed 16251236 (cited by Mayo Clinic Laboratories, Mayo Clinic and Athena Diagnostics); PubMed 21680739 (cited by Mayo Clinic Laboratories, Mayo Clinic and Athena Diagnostics); PubMed 26346198 (cited by Athena Diagnostics); PubMed 22732337 (cited by Athena Diagnostics); PubMed 19956976 (cited by Athena Diagnostics); PubMed 26248470 (cited by Athena Diagnostics); PubMed 18594871 (cited by Athena Diagnostics); PubMed 27535533 (cited by Athena Diagnostics).